The following is an entry in ClinVar:

ClinVar aggregate classification (germline): Benign/Likely benign. Review status: criteria provided, multiple submitters, no conflicts (2 of 4 stars). 15 submissions from 15 submitters: Benign (6); Likely benign (3). 6 of the submissions do not count toward it. Last evaluated 2026-02-04.

Conditions:
Metachromatic leukodystrophy (MLD). Also called: METACHROMATIC LEUKOENCEPHALOPATHY; SULFATIDE LIPIDOSIS; Cerebral sclerosis diffuse metachromatic form; Arylsulfatase A Deficiency; ARSA DEFICIENCY; CEREBROSIDE SULFATASE DEFICIENCY. Identifiers: Orphanet 512, MedGen C0023522, MONDO:0018868, OMIM 250100.

Allele frequency attached by ClinVar (database versions not stated): ESP Exome Variant Server 0.05502; gnomAD 0.04709; 1000 Genomes Project 30x 0.04685; 1000 Genomes Project 0.04692.
gnomAD v4.1: 61,811 of 1,594,468 alleles (3.9%); highest among the groups gnomAD compares: African/African-American, 10%; 1,572 homozygotes.

Submissions (16):

Labcorp Genetics (formerly Invitae), Labcorp
Classification: Benign for Metachromatic leukodystrophy. Last evaluated: 2026-02-04. Review status: criteria provided, single submitter. Criteria: Invitae Variant Classification Sherloc (09022015). Collection method: clinical testing. Allele origin: germline.

Athena Diagnostics
Classification: Benign. Last evaluated: 2025-01-16. Review status: criteria provided, single submitter. Criteria: Athena Diagnostics Criteria. Collection method: clinical testing. Allele origin: unknown.
Comment: The frequency of this variant in the general population is higher than would generally be expected for pathogenic variants in this gene.

Blueprint Genetics
Classification: Likely benign. Last evaluated: 2024-11-28. Review status: criteria provided, single submitter. Criteria: ACMG Guidelines, 2015. Collection method: clinical testing. Allele origin: germline.

Women's Health and Genetics/Laboratory Corporation of America, LabCorp
Classification: Benign. Last evaluated: 2017-11-15. Review status: criteria provided, single submitter. Criteria: LabCorp Variant Classification Summary - May 2015. Collection method: clinical testing. Allele origin: germline.
Comment: Variant summary: The c.1493G>A (p.Arg498His) in the ARSA gene is a missense change that involves the alteration of a non-conserved nucleotide and 4/5 in silico tools predict benign outcome. The variant was observed in the large and broad cohorts of gnomAD project at an allele frequency of 0.0323 (7925/ 245028 chrs tested), predominantly in individuals of African descent (0.1; 2138/ 21170 chrs, including 119 homozygotes). These frequencies exceed the maximal expected allele frequency for a pathogenic variant in this gene (0.0028). In functional studies, an enzymatic assay performed on platelet lysates from an individual homozygous for R498H showed normal values comparative with wild-type, therefore the variant is considered to be functionally neutral. In addition, several reputable databases/diagnostic centers classified the variant of interest as Benign/likely Benign. Taking together, the variant was classified as Benign.

Illumina Laboratory Services, Illumina
Classification: Likely benign for Metachromatic leukodystrophy. Last evaluated: 2017-04-27. Review status: criteria provided, single submitter. Criteria: ICSL Variant Classification Criteria 13 December 2019. Collection method: clinical testing. Allele origin: germline.
Comment: This variant was observed as part of a predisposition screen in an ostensibly healthy population. A literature search was performed for the gene, cDNA change, and amino acid change (where applicable). No publications were found based on this search. Allele frequency data from public databases allowed determination this variant is unlikely to cause disease. Therefore, this variant is classified as likely benign.

GeneDx
Classification: Benign. Last evaluated: 2015-03-03. Review status: criteria provided, single submitter. Criteria: GeneDx Variant Classification Process June 2021. Collection method: clinical testing. Allele origin: germline. Affected: yes.

Eurofins Ntd Llc (ga)
Classification: Benign. Last evaluated: 2013-09-24. Review status: criteria provided, single submitter. Criteria: EGL Classification Definitions 2015. Collection method: clinical testing. Allele origin: germline. Observed: 18 variant alleles, 17 heterozygotes, 1 homozygote.

Breakthrough Genomics
Classification: Likely benign. Review status: criteria provided, single submitter. Criteria: ACMG Guidelines, 2015. Collection method: not provided. Allele origin: germline. Inheritance: Autosomal recessive inheritance. Affected: yes.

PreventionGenetics, part of Exact Sciences
Classification: Benign. Review status: criteria provided, single submitter. Criteria: ACMG Guidelines, 2015. Collection method: clinical testing. Allele origin: germline.

Natera, Inc.
Classification: Benign for Metachromatic leukodystrophy. Last evaluated: 2020-09-16. Review status: no assertion criteria provided. Collection method: clinical testing. Allele origin: germline. Not counted in ClinVar's aggregate classification.

Mayo Clinic Laboratories, Mayo Clinic
Classification: Benign. Last evaluated: 2017-04-18. Review status: no assertion criteria provided. Collection method: clinical testing. Allele origin: unknown. Not counted in ClinVar's aggregate classification.

Clinical Genetics, Academic Medical Center
Classification: Benign. Review status: no assertion criteria provided. Collection method: clinical testing. Allele origin: germline. Affected: yes. Study: VKGL Data-share Consensus. Not counted in ClinVar's aggregate classification.

Diagnostic Laboratory, Department of Genetics, University Medical Center Groningen
Classification: Benign. Review status: no assertion criteria provided. Collection method: clinical testing. Allele origin: germline. Affected: yes. Study: VKGL Data-share Consensus. Not counted in ClinVar's aggregate classification.

Gelb Laboratory, University of Washington
No classification provided (evidence only). Condition: Metachromatic leukodystrophy. Review status: no classification provided. Collection method: in vitro. Allele origin: not applicable. Inheritance: Autosomal recessive inheritance. Functional consequence: functionally_normal. Not counted in ClinVar's aggregate classification.
ClinVar note: "not provided" was previously submitted as the classification for the variant. However, the classification appeared to be based only on an observation of functional data so it was converted to no classification on 2025-07-30.

Genome Diagnostics Laboratory, University Medical Center Utrecht
Classification: Benign. Review status: no assertion criteria provided. Collection method: clinical testing. Allele origin: germline. Affected: yes. Study: VKGL Data-share Consensus. Not counted in ClinVar's aggregate classification.

Joint Genome Diagnostic Labs from Nijmegen and Maastricht, Radboudumc and MUMC+
Classification: Benign. Review status: no assertion criteria provided. Collection method: clinical testing. Allele origin: germline. Affected: yes. Study: VKGL Data-share Consensus. Not counted in ClinVar's aggregate classification.

Literature cited by the submitters: PubMed 9744473 (cited by Women's Health and Genetics/Laboratory Corporation of America, LabCorp); PubMed 9090526 (cited by Gelb Laboratory, University of Washington).

NM_000487.6(ARSA):c.1493G>A (p.Arg498His)

Gene: ARSA (arylsulfatase A; minus strand). Cytogenetic location: 22q13.33.
Variant type: single nucleotide variant.
Coding change: c.1493G>A on transcript NM_000487.6 (MANE Select); coding-DNA position 1493, G replaced by A.
Protein change: p.Arg498His; replaces arginine 498 with histidine.
Molecular consequence: missense variant.
Genome position (GRCh38, 1-based): chr22:50,625,182, C>T on the plus strand (G>A on the coding strand, the complement: ARSA is on the minus strand). VCF-style: chr22-50625182-C-T. GRCh37 (hg19) VCF-style: chr22-51063610-C-T.
Other names: c.1493G>A, p.Arg498His (NM_001085425.3, NM_001085426.3, NM_001085427.3); c.1235G>A, p.Arg412His (NM_001085428.3, NM_001362782.2); short protein forms R498H, R412H.
Identifiers: ClinVar variation 93120 (VCV000093120.33), dbSNP rs6151428, ClinGen allele CA146671.